The following is an entry in ClinVar:

ClinVar aggregate classification (germline): Benign/Likely benign. Review status: criteria provided, multiple submitters, no conflicts (2 of 4 stars). 4 submissions from 4 submitters: Benign (2); Likely benign (1). 1 of the submissions does not count toward it. Last evaluated 2026-02-04.

Conditions:
PLXNA1-related disorder. Also called: PLXNA1-related condition.

Allele frequency attached by ClinVar (database versions not stated): 1000 Genomes Project 30x 0.53592; 1000 Genomes Project 0.54153; TOPMed 0.58159; ESP Exome Variant Server 0.60072; gnomAD 0.60169 and 0.60253; ExAC 0.63945.
gnomAD v4.1: 1,077,032 of 1,612,736 alleles (67%); highest among the groups gnomAD compares: Non-Finnish European, 70%; 364,164 homozygotes.

Submissions (4):

Labcorp Genetics (formerly Invitae), Labcorp
Classification: Benign. Last evaluated: 2026-02-04. Review status: criteria provided, single submitter. Criteria: Invitae Variant Classification Sherloc (09022015). Collection method: clinical testing. Allele origin: germline.

Blueprint Genetics
Classification: Likely benign. Last evaluated: 2024-11-26. Review status: criteria provided, single submitter. Criteria: ACMG Guidelines, 2015. Collection method: clinical testing. Allele origin: germline.

Breakthrough Genomics
Classification: Benign. Review status: criteria provided, single submitter. Criteria: ACMG Guidelines, 2015. Collection method: not provided. Allele origin: germline. Inheritance: Autosomal recessive inheritance. Affected: yes.

PreventionGenetics, part of Exact Sciences
Classification: Benign for PLXNA1-related condition. Last evaluated: 2019-10-17. Review status: no assertion criteria provided. Collection method: clinical testing. Allele origin: germline. Not counted in ClinVar's aggregate classification.
Comment: This variant is classified as benign based on ACMG/AMP sequence variant interpretation guidelines (Richards et al. 2015 PMID: 25741868, with internal and published modifications).

NM_032242.4(PLXNA1):c.3792C>A (p.Leu1264=)

Gene: PLXNA1 (plexin A1; plus strand). Cytogenetic location: 3q21.3.
Variant type: single nucleotide variant.
Coding change: c.3792C>A on transcript NM_032242.4 (MANE Select); coding-DNA position 3792, C replaced by A.
Protein change: p.Leu1264=; no amino-acid change (leucine 1264 retained).
Molecular consequence: synonymous variant.
Genome position (GRCh38, 1-based): chr3:127,018,425, C>A. VCF-style: chr3-127018425-C-A. GRCh37 (hg19) VCF-style: chr3-126737268-C-A.
Other names: c.3792C>A (NM_032242.3).
Identifiers: ClinVar variation 1603107 (VCV001603107.12), dbSNP rs4679323, ClinGen allele CA2594144.